The following is an entry in ClinVar:

NM_152513.4(MEI1):c.1332-6A>G

Gene: MEI1 (meiotic double-stranded break formation protein 1; plus strand). Cytogenetic location: 22q13.2.
Variant type: single nucleotide variant.
Coding change: c.1332-6A>G on transcript NM_152513.4 (MANE Select); 6 bases into the intron before coding-DNA position 1332, A replaced by G.
Molecular consequence: intron variant.
Genome position (GRCh38, 1-based): chr22:41,743,074, A>G. VCF-style: chr22-41743074-A-G. GRCh37 (hg19) VCF-style: chr22-42139078-A-G.
Identifiers: ClinVar variation 3060482 (VCV003060482.2), dbSNP rs5751148, ClinGen allele CA10260157.

ClinVar aggregate classification (germline): Benign (0 of 4 stars; one submission).

Conditions:
MEI1-related disorder. Also called: MEI1-related condition.

Allele frequency attached by ClinVar (database versions not stated): ExAC 0.79046; gnomAD exomes 0.80678; TOPMed 0.82482; gnomAD 0.83500; 1000 Genomes Project 30x 0.83588; 1000 Genomes Project 0.84065; ESP Exome Variant Server 0.85724.
gnomAD v4.1: 1,298,573 of 1,604,552 alleles (81%); highest among the groups gnomAD compares: African/African-American, 96%; 530,715 homozygotes.

Submission:

PreventionGenetics, part of Exact Sciences
Classification: Benign for MEI1-related condition. Last evaluated: 2019-04-30. Review status: no assertion criteria provided. Collection method: clinical testing. Allele origin: germline.
Comment: This variant is classified as benign based on ACMG/AMP sequence variant interpretation guidelines (Richards et al. 2015 PMID: 25741868, with internal and published modifications).